The following is an entry in ClinVar:

NM_004415.4(DSP):c.4172A>C (p.Tyr1391Ser)

Gene: DSP (desmoplakin; plus strand). Cytogenetic location: 6p24.3.
Variant type: single nucleotide variant.
Coding change: c.4172A>C on transcript NM_004415.4 (MANE Select); coding-DNA position 4172, A replaced by C.
Protein change: p.Tyr1391Ser; replaces tyrosine 1391 with serine.
Molecular consequence: missense variant. On other transcripts: intron variant (2).
Genome position (GRCh38, 1-based): chr6:7,580,362, A>C. VCF-style: chr6-7580362-A-C. GRCh37 (hg19) VCF-style: chr6-7580595-A-C.
Other names: c.4050+122A>C (NM_001319034.2); c.3582+590A>C (NM_001008844.3); short protein forms Y1391S.
Identifiers: ClinVar variation 927931 (VCV000927931.11), dbSNP rs727504547, ClinGen allele CA362685720.

ClinVar aggregate classification (germline): Uncertain significance. Review status: criteria provided, multiple submitters, no conflicts (2 of 4 stars). 3 submissions from 3 submitters: Uncertain significance (3). Last evaluated 2024-03-06.

Conditions:
Cardiovascular phenotype. Identifiers: MedGen CN230736.
Arrhythmogenic cardiomyopathy with wooly hair and keratoderma. Also called: PALMOPLANTAR KERATODERMA WITH LEFT VENTRICULAR CARDIOMYOPATHY AND WOOLLY HAIR; Carvajal syndrome; Dilated cardiomyopathy with woolly hair and keratoderma; Arrhythmogenic cardiomyopathy with woolly hair and keratoderma. Identifiers: Orphanet 65282, MedGen C1854063, MONDO:0011581, OMIM 605676.
Arrhythmogenic right ventricular dysplasia 8 (ARVD8). Also called: ARRHYTHMOGENIC RIGHT VENTRICULAR DYSPLASIA, FAMILIAL, 8; Arrhythmogenic Right Ventricular Dysplasia/Cardiomyopathy 8; ARRHYTHMOGENIC RIGHT VENTRICULAR CARDIOMYOPATHY 8. Identifiers: MedGen C1843896, MONDO:0011831, OMIM 607450.
Cardiomyopathy (CMYO). Also called: Cardiomyopathies. Identifiers: Orphanet 167848, MedGen C0878544, MONDO:0004994, HP:0001638. Inheritance: Various modes of inheritance.

Submissions (3):

Color Diagnostics, LLC DBA Color Health
Classification: Uncertain significance for Cardiomyopathy. Last evaluated: 2024-03-06. Review status: criteria provided, single submitter. Criteria: ACMG Guidelines, 2015. Collection method: clinical testing. Allele origin: germline.
Comment: This missense variant replaces tyrosine with serine at codon 1391 of the DSP protein. Computational prediction suggests that this variant may not impact protein structure and function (internally defined REVEL score threshold <= 0.5, PMID: 27666373). Splice site prediction tools suggest that this variant may not impact RNA splicing. To our knowledge, functional studies have not been performed for this variant. This variant has not been reported in individuals affected with cardiovascular disorders in the literature. This variant has not been identified in the general population by the Genome Aggregation Database (gnomAD). The available evidence is insufficient to determine the role of this variant in disease conclusively. Therefore, this variant is classified as a Variant of Uncertain Significance.

Labcorp Genetics (formerly Invitae), Labcorp
Classification: Uncertain significance for Arrhythmogenic cardiomyopathy with wooly hair and keratoderma; Arrhythmogenic right ventricular dysplasia 8. Last evaluated: 2022-05-29. Review status: criteria provided, single submitter. Criteria: Invitae Variant Classification Sherloc (09022015). Collection method: clinical testing. Allele origin: germline.
Comment: Algorithms developed to predict the effect of missense changes on protein structure and function are either unavailable or do not agree on the potential impact of this missense change (SIFT: "Deleterious"; PolyPhen-2: "Possibly Damaging"; Align-GVGD: "Class C0"). In summary, the available evidence is currently insufficient to determine the role of this variant in disease. Therefore, it has been classified as a Variant of Uncertain Significance. This variant is not present in population databases (gnomAD no frequency). This variant has not been reported in the literature in individuals affected with DSP-related conditions. This sequence change replaces tyrosine, which is neutral and polar, with serine, which is neutral and polar, at codon 1391 of the DSP protein (p.Tyr1391Ser). ClinVar contains an entry for this variant (Variation ID: 927931).

Ambry Genetics
Classification: Uncertain significance for Cardiovascular phenotype. Last evaluated: 2019-11-20. Review status: criteria provided, single submitter. Criteria: Ambry Variant Classification Scheme 2023. Collection method: clinical testing. Allele origin: germline.
Comment: The p.Y1391S variant (also known as c.4172A>C), located in coding exon 23 of the DSP gene, results from an A to C substitution at nucleotide position 4172. The tyrosine at codon 1391 is replaced by serine, an amino acid with dissimilar properties. This amino acid position is not well conserved in available vertebrate species. In addition, the in silico prediction for this alteration is inconclusive. Since supporting evidence is limited at this time, the clinical significance of this alteration remains unclear.